The following is an entry in ClinVar:

NM_020778.4(ALPK3):c.173C>T (p.Pro58Leu)

Gene: ALPK3 (alpha kinase 3; plus strand). Cytogenetic location: 15q25.3.
Variant type: single nucleotide variant.
Coding change: c.173C>T on transcript NM_020778.4; coding-DNA position 173, C replaced by T.
Protein change: p.Pro58Leu; replaces proline 58 with leucine.
Genome position (GRCh38, 1-based): chr15:84,817,019, C>T. VCF-style: chr15-84817019-C-T. GRCh37 (hg19) VCF-style: chr15-85360250-C-T.
Identifiers: ClinVar variation 390217 (VCV000390217.7), dbSNP rs1057523682, ClinGen allele CA16607147.

ClinVar aggregate classification (germline): Uncertain significance. Review status: criteria provided, multiple submitters, no conflicts (2 of 4 stars). 3 submissions from 3 submitters: Uncertain significance (3). Last evaluated 2026-01-27.

Conditions:
ALPK3-related disorder. Also called: ALPK3-related condition.
Cardiovascular phenotype. Identifiers: MedGen CN230736.

Allele frequency attached by ClinVar (database versions not stated): gnomAD exomes below 0.00001; TOPMed 0.00001; gnomAD 0.00001.

Submissions (3):

PreventionGenetics, part of Exact Sciences
Classification: Uncertain significance for ALPK3-related condition. Last evaluated: 2026-01-27. Review status: criteria provided, single submitter. Criteria: ACMG Guidelines, 2015. Collection method: clinical testing. Allele origin: germline.
Comment: The ALPK3 c.173C>T variant is predicted to result in the amino acid substitution p.Pro58Leu. To our knowledge, this variant has not been reported in the literature or in a large population database (gnomAD), indicating this variant is rare. At this time, the clinical significance of this variant is uncertain due to the absence of conclusive functional and genetic evidence.

Ambry Genetics
Classification: Uncertain significance for Cardiovascular phenotype. Last evaluated: 2024-07-02. Review status: criteria provided, single submitter. Criteria: Ambry Variant Classification Scheme 2023. Collection method: clinical testing. Allele origin: germline.

GeneDx
Classification: Uncertain significance. Last evaluated: 2021-03-15. Review status: criteria provided, single submitter. Criteria: GeneDx Variant Classification Process June 2021. Collection method: clinical testing. Allele origin: germline. Affected: yes.
Comment: Has not been previously published as pathogenic or benign to our knowledge; Not observed in large population cohorts (Lek et al., 2016); In silico analysis supports that this missense variant does not alter protein structure/function